The following is an entry in ClinVar:

ClinVar aggregate classification (germline): Uncertain significance (1 of 4 stars; one submission).

gnomAD v4.1: 1 of 1,611,624 alleles (0.000062%); highest among the groups gnomAD compares: Admixed American, 0.0017%; no homozygotes.

Submission:

Labcorp Genetics (formerly Invitae), Labcorp
Classification: Uncertain significance. Last evaluated: 2024-01-08. Review status: criteria provided, single submitter. Criteria: Invitae Variant Classification Sherloc (09022015). Collection method: clinical testing. Allele origin: germline.
Comment: This sequence change affects a donor splice site in intron 3 of the TMEM106B gene. It is expected to disrupt RNA splicing. Variants that disrupt the donor or acceptor splice site typically lead to a loss of protein function (PMID: 16199547), however the current clinical and genetic evidence is not sufficient to establish whether loss-of-function variants in TMEM106B cause disease. This variant is present in population databases (no rsID available, gnomAD 0.003%). This variant has not been reported in the literature in individuals affected with TMEM106B-related conditions. ClinVar contains an entry for this variant (Variation ID: 2165464). Algorithms developed to predict the effect of sequence changes on RNA splicing suggest that this variant may disrupt the consensus splice site. In summary, the available evidence is currently insufficient to determine the role of this variant in disease. Therefore, it has been classified as a Variant of Uncertain Significance.

Literature cited by the submitters: PubMed 16199547.

NM_001134232.2(TMEM106B):c.217+1G>C

Gene: TMEM106B (transmembrane protein 106B; plus strand). Cytogenetic location: 7p21.3.
Variant type: single nucleotide variant.
Coding change: c.217+1G>C on transcript NM_001134232.2 (MANE Select); the canonical splice donor site of the intron after coding-DNA position 217, G replaced by C.
Molecular consequence: splice donor variant.
Genome position (GRCh38, 1-based): chr7:12,215,028, G>C. VCF-style: chr7-12215028-G-C. GRCh37 (hg19) VCF-style: chr7-12254654-G-C.
Other names: c.217+1G>C (NM_018374.4).
Identifiers: ClinVar variation 2165464 (VCV002165464.4), dbSNP rs778271556, ClinGen allele CA366853913.